The following is an entry in ClinVar:

NM_003659.4(AGPS):c.435C>G (p.Thr145=)

Gene: AGPS (alkylglycerone phosphate synthase; plus strand). Cytogenetic location: 2q31.2.
Variant type: single nucleotide variant.
Coding change: c.435C>G on transcript NM_003659.4 (MANE Select); coding-DNA position 435, C replaced by G.
Protein change: p.Thr145=; no amino-acid change (threonine 145 retained).
Molecular consequence: synonymous variant.
Genome position (GRCh38, 1-based): chr2:177,434,411, C>G. VCF-style: chr2-177434411-C-G. GRCh37 (hg19) VCF-style: chr2-178299139-C-G.
Identifiers: ClinVar variation 721137 (VCV000721137.14), dbSNP rs1201994217, ClinGen allele CA430197923.
Genomic context (GRCh38, chr2:177,434,411, plus strand): 5'-ACCAACATTTAAAGAATGGATCCAAAATACCCTTGGAGTAAATGTGGAGCATAAAACTAC[C>G]TCTAAAGTAAGCAAACAAAAATTATTACTAACTCATTTAACTGTGTTTTTAAAACCCAAA-3'
Protein context (NP_003650.1, residues 135-155): TLGVNVEHKT[Thr145=]SKASLNPSDT

ClinVar aggregate classification (germline): Conflicting classifications of pathogenicity. Review status: criteria provided, conflicting classifications (1 of 4 stars). 4 submissions from 4 submitters: Uncertain significance (1); Likely benign (2). 1 of the submissions does not count toward it. Last evaluated 2024-11-25.

Conditions:
AGPS-related disorder. Also called: AGPS-related condition.

Allele frequency attached by ClinVar (database versions not stated): gnomAD exomes 0.00002; TOPMed 0.00002; gnomAD 0.00003.
gnomAD v4.1: 21 of 1,609,354 alleles (0.0013%); highest among the groups gnomAD compares: Non-Finnish European, 0.0018%; no homozygotes.

Submissions (4):

Blueprint Genetics
Classification: Likely benign. Last evaluated: 2024-11-25. Review status: criteria provided, single submitter. Criteria: ACMG Guidelines, 2015. Collection method: clinical testing. Allele origin: germline.

GeneDx
Classification: Uncertain significance. Last evaluated: 2024-10-22. Review status: criteria provided, single submitter. Criteria: GeneDx Variant Classification Process June 2021. Collection method: clinical testing. Allele origin: germline. Affected: yes.
Comment: Not observed at significant frequency in large population cohorts (gnomAD); In silico analysis indicates that this variant does not alter splicing; Has not been previously published as pathogenic or benign to our knowledge

Labcorp Genetics (formerly Invitae), Labcorp
Classification: Likely benign. Last evaluated: 2024-01-17. Review status: criteria provided, single submitter. Criteria: Invitae Variant Classification Sherloc (09022015). Collection method: clinical testing. Allele origin: germline.

PreventionGenetics, part of Exact Sciences
Classification: Likely benign for AGPS-related condition. Last evaluated: 2019-05-23. Review status: no assertion criteria provided. Collection method: clinical testing. Allele origin: germline. Not counted in ClinVar's aggregate classification.
Comment: This variant is classified as likely benign based on ACMG/AMP sequence variant interpretation guidelines (Richards et al. 2015 PMID: 25741868, with internal and published modifications).